The following is an entry in ClinVar:

ClinVar aggregate classification (germline): Uncertain significance (1 of 4 stars; one submission).

Allele frequency attached by ClinVar (database versions not stated): gnomAD exomes below 0.00001.
gnomAD v4.1: 1 of 1,611,596 alleles (0.000062%); highest among the groups gnomAD compares: Non-Finnish European, 0.000085%; no homozygotes.

Submission:

Labcorp Genetics (formerly Invitae), Labcorp
Classification: Uncertain significance. Last evaluated: 2022-07-11. Review status: criteria provided, single submitter. Criteria: Invitae Variant Classification Sherloc (09022015). Collection method: clinical testing. Allele origin: germline.
Comment: In summary, the available evidence is currently insufficient to determine the role of this variant in disease. Therefore, it has been classified as a Variant of Uncertain Significance. Algorithms developed to predict the effect of missense changes on protein structure and function output the following: SIFT: "Tolerated"; PolyPhen-2: "Benign"; Align-GVGD: "Class C0". The threonine amino acid residue is found in multiple mammalian species, which suggests that this missense change does not adversely affect protein function. This variant has not been reported in the literature in individuals affected with KAT6A-related conditions. This variant is not present in population databases (gnomAD no frequency). This sequence change replaces methionine, which is neutral and non-polar, with threonine, which is neutral and polar, at codon 838 of the KAT6A protein (p.Met838Thr).

NM_006766.5(KAT6A):c.2513T>C (p.Met838Thr)

Gene: KAT6A (lysine acetyltransferase 6A; minus strand). Cytogenetic location: 8p11.21.
Variant type: single nucleotide variant.
Coding change: c.2513T>C on transcript NM_006766.5 (MANE Select); coding-DNA position 2513, T replaced by C.
Protein change: p.Met838Thr; replaces methionine 838 with threonine.
Molecular consequence: missense variant.
Genome position (GRCh38, 1-based): chr8:41,941,368, A>G on the plus strand (T>C on the coding strand, the complement: KAT6A is on the minus strand). VCF-style: chr8-41941368-A-G. GRCh37 (hg19) VCF-style: chr8-41798886-A-G.
Other names: short protein forms M838T.
Identifiers: ClinVar variation 1928390 (VCV001928390.5), dbSNP rs376862210, ClinGen allele CA175944637.